The following is an entry in ClinVar:

NM_032977.4(CASP10):c.683C>T (p.Pro228Leu)

Gene: CASP10 (caspase 10; plus strand). Cytogenetic location: 2q33.1.
Variant type: single nucleotide variant.
Coding change: c.683C>T on transcript NM_032977.4 (MANE Select); coding-DNA position 683, C replaced by T.
Protein change: p.Pro228Leu; replaces proline 228 with leucine.
Molecular consequence: missense variant.
Genome position (GRCh38, 1-based): chr2:201,195,947, C>T. VCF-style: chr2-201195947-C-T. GRCh37 (hg19) VCF-style: chr2-202060670-C-T.
Other names: p.Pro228Leu; c.683C>T, p.Pro228Leu (NM_001206524.2, NM_001206542.2, NM_001230.5 and 3 more transcripts); short protein forms P228L.
Identifiers: ClinVar variation 535761 (VCV000535761.15), dbSNP rs143882052, ClinGen allele CA2052943.

ClinVar aggregate classification (germline): Conflicting classifications of pathogenicity. Review status: criteria provided, conflicting classifications (1 of 4 stars). 4 submissions from 4 submitters: Uncertain significance (3); Likely benign (1). Last evaluated 2025-12-15.

Conditions:
Autoimmune lymphoproliferative syndrome type 2A (ALPS2A). Also called: CASP10-Related Autoimmune Lymphoproliferative Syndrome; AUTOIMMUNE LYMPHOPROLIFERATIVE SYNDROME, TYPE IIA; Autoimmune lymphoproliferative syndrome type 2. Identifiers: Orphanet 3261, MedGen C1858968, MONDO:0011383, OMIM 603909.

Allele frequency attached by ClinVar (database versions not stated): gnomAD exomes 0.00022; ESP Exome Variant Server 0.00023; gnomAD 0.00024 and 0.00025; TOPMed 0.00024; ExAC 0.00026; 1000 Genomes Project 30x 0.00031; 1000 Genomes Project 0.00040.
gnomAD v4.1: 928 of 1,606,636 alleles (0.058%); highest among the groups gnomAD compares: Non-Finnish European, 0.076%; no homozygotes.

Submissions (4):

Labcorp Genetics (formerly Invitae), Labcorp
Classification: Uncertain significance for Autoimmune lymphoproliferative syndrome type 2A. Last evaluated: 2025-12-15. Review status: criteria provided, single submitter. Criteria: Invitae Variant Classification Sherloc (09022015). Collection method: clinical testing. Allele origin: germline.
Comment: This sequence change replaces proline, which is neutral and non-polar, with leucine, which is neutral and non-polar, at codon 228 of the CASP10 protein (p.Pro228Leu). This variant is present in population databases (rs143882052, gnomAD 0.04%). This missense change has been observed in individual(s) with clinical features of autoimmune lymphoproliferative syndrome (PMID: 27872624, 34329798). ClinVar contains an entry for this variant (Variation ID: 535761). An algorithm developed to predict the effect of missense changes on protein structure and function (PolyPhen-2) suggests that this variant is likely to be tolerated. In summary, the available evidence is currently insufficient to determine the role of this variant in disease. Therefore, it has been classified as a Variant of Uncertain Significance.

Mayo Clinic Laboratories, Mayo Clinic
Classification: Uncertain significance. Last evaluated: 2025-04-29. Review status: criteria provided, single submitter. Criteria: ACMG Guidelines, 2015. Collection method: clinical testing. Allele origin: germline. Observed: 1 variant allele.
Comment: BP4_moderate

Blueprint Genetics
Classification: Likely benign. Last evaluated: 2024-11-26. Review status: criteria provided, single submitter. Criteria: ACMG Guidelines, 2015. Collection method: clinical testing. Allele origin: germline.

Women's Health and Genetics/Laboratory Corporation of America, LabCorp
Classification: Uncertain significance. Last evaluated: 2024-05-02. Review status: criteria provided, single submitter. Criteria: LabCorp Variant Classification Summary - May 2015. Collection method: clinical testing. Allele origin: germline.
Comment: Variant summary: CASP10 c.683C>T (p.Pro228Leu) results in a non-conservative amino acid change in the encoded protein sequence. Four of five in-silico tools predict a benign effect of the variant on protein function. The variant allele was found at a frequency of 0.00022 in 251240 control chromosomes. c.683C>T has been reported in the literature in individuals affected with features of Autoimmune Lymphoproliferative Syndrome without strong evidence of causality (Gallo_2016). This report does not provide unequivocal conclusions about association of the variant with Autoimmune Lymphoproliferative Syndrome Type 2A. To our knowledge, no experimental evidence demonstrating an impact on protein function has been reported. The following publication has been ascertained in the context of this evaluation (PMID: 27872624). ClinVar contains an entry for this variant (Variation ID: 535761). Based on the evidence outlined above, the variant was classified as uncertain significance.

Literature cited by the submitters: PubMed 27872624 (cited by Labcorp Genetics (formerly Invitae), Labcorp and Women's Health and Genetics/Laboratory Corporation of America, LabCorp); PubMed 34329798 (cited by Labcorp Genetics (formerly Invitae), Labcorp).